The following is an entry in ClinVar:

NM_024120.5(NDUFAF5):c.358A>G (p.Ile120Val)

Gene: NDUFAF5 (NADH:ubiquinone oxidoreductase complex assembly factor 5; plus strand). Cytogenetic location: 20p12.1.
Variant type: single nucleotide variant.
Coding change: c.358A>G on transcript NM_024120.5 (MANE Select); coding-DNA position 358, A replaced by G.
Protein change: p.Ile120Val; replaces isoleucine 120 with valine.
Molecular consequence: missense variant. On other transcripts: synonymous variant (1), 5 prime UTR variant (3), non-coding transcript variant (7).
Genome position (GRCh38, 1-based): chr20:13,793,210, A>G. VCF-style: chr20-13793210-A-G. GRCh37 (hg19) VCF-style: chr20-13773856-A-G.
Other names: c.378A>G, p.Thr126= (NM_001039375.3); c.-10A>G (NM_001352403.2); c.-204A>G (NM_001352406.2, NM_001352407.2); c.358A>G, p.Ile120Val (NM_001352408.2); short protein forms I120V.
Identifiers: ClinVar variation 1716627 (VCV001716627.6), dbSNP rs1337560321, ClinGen allele CA408268459.

ClinVar aggregate classification (germline): Uncertain significance (1 of 4 stars; one submission).

gnomAD v4.1: 6 of 1,613,850 alleles (0.00037%); highest among the groups gnomAD compares: Non-Finnish European, 0.000085%; no homozygotes.

Submission:

Labcorp Genetics (formerly Invitae), Labcorp
Classification: Uncertain significance. Last evaluated: 2023-02-08. Review status: criteria provided, single submitter. Criteria: Invitae Variant Classification Sherloc (09022015). Collection method: clinical testing. Allele origin: germline.
Comment: This sequence change replaces isoleucine, which is neutral and non-polar, with valine, which is neutral and non-polar, at codon 120 of the NDUFAF5 protein (p.Ile120Val). This variant is present in population databases (no rsID available, gnomAD 0.009%). This variant has not been reported in the literature in individuals affected with NDUFAF5-related conditions. ClinVar contains an entry for this variant (Variation ID: 1716627). Algorithms developed to predict the effect of missense changes on protein structure and function (SIFT, PolyPhen-2, Align-GVGD) all suggest that this variant is likely to be tolerated. In summary, the available evidence is currently insufficient to determine the role of this variant in disease. Therefore, it has been classified as a Variant of Uncertain Significance.